The following is an entry in ClinVar:

ClinVar aggregate classification (germline): Uncertain significance (1 of 4 stars; one submission).

Allele frequency attached by ClinVar (database versions not stated): gnomAD exomes 0.00001; TOPMed 0.00001; ExAC 0.00002.
gnomAD v4.1: 16 of 1,611,870 alleles (0.00099%); highest among the groups gnomAD compares: Non-Finnish European, 0.0014%; no homozygotes.

Submission:

Labcorp Genetics (formerly Invitae), Labcorp
Classification: Uncertain significance. Last evaluated: 2022-04-11. Review status: criteria provided, single submitter. Criteria: Invitae Variant Classification Sherloc (09022015). Collection method: clinical testing. Allele origin: germline.
Comment: In summary, the available evidence is currently insufficient to determine the role of this variant in disease. Therefore, it has been classified as a Variant of Uncertain Significance. Algorithms developed to predict the effect of missense changes on protein structure and function output the following: SIFT: "Tolerated"; PolyPhen-2: "Benign"; Align-GVGD: "Class C0". The serine amino acid residue is found in multiple mammalian species, which suggests that this missense change does not adversely affect protein function. This variant has not been reported in the literature in individuals affected with SPEG-related conditions. This variant is present in population databases (rs771056941, gnomAD 0.002%). This sequence change replaces arginine, which is basic and polar, with serine, which is neutral and polar, at codon 296 of the SPEG protein (p.Arg296Ser).

NM_005876.5(SPEG):c.886C>A (p.Arg296Ser)

Gene: SPEG (striated muscle enriched protein kinase; plus strand). Cytogenetic location: 2q35.
Variant type: single nucleotide variant.
Coding change: c.886C>A on transcript NM_005876.5 (MANE Select); coding-DNA position 886, C replaced by A.
Protein change: p.Arg296Ser; replaces arginine 296 with serine.
Molecular consequence: missense variant.
Genome position (GRCh38, 1-based): chr2:219,448,044, C>A. VCF-style: chr2-219448044-C-A. GRCh37 (hg19) VCF-style: chr2-220312766-C-A.
Other names: short protein forms R296S.
Identifiers: ClinVar variation 2419070 (VCV002419070.4), dbSNP rs771056941, ClinGen allele CA2125609.